The following is an entry in ClinVar:

ClinVar aggregate classification (germline): Uncertain significance. Review status: criteria provided, multiple submitters, no conflicts (2 of 4 stars). 3 submissions from 3 submitters: Uncertain significance (3). Last evaluated 2023-12-19.

Conditions:
Microcephaly, normal intelligence and immunodeficiency (NBS). Also called: SEEMANOVA SYNDROME II; Immunodeficiency, microcephaly with normal intelligence; Nijmegen breakage syndrome; Microcephaly with normal intelligence immunodeficiency and lymphoreticular malignancies; Nonsyndromal microcephaly autosomal recessive with normal intelligence; Seemanova syndrome 2. Identifiers: Orphanet 647, MedGen C0398791, MONDO:0009623, OMIM 251260.
Hereditary cancer-predisposing syndrome. Also called: Neoplastic Syndromes, Hereditary; Tumor predisposition; Hereditary Cancer Syndrome; Hereditary neoplastic syndrome. Identifiers: Orphanet 140162, MedGen C0027672, MeSH D009386, MONDO:0015356.
Aplastic anemia. Identifiers: Orphanet 182040, Orphanet 88, MedGen C0002874, MONDO:0015909, OMIM 609135, HP:0001915.

gnomAD v4.1: 3 of 1,613,772 alleles (0.00019%); highest among the groups gnomAD compares: Non-Finnish European, 0.00017%; no homozygotes.

Submissions (3):

Ambry Genetics
Classification: Uncertain significance for Hereditary cancer-predisposing syndrome. Last evaluated: 2023-12-19. Review status: criteria provided, single submitter. Criteria: Ambry Variant Classification Scheme 2023. Collection method: clinical testing. Allele origin: germline.
Comment: The p.D569G variant (also known as c.1706A>G), located in coding exon 11 of the NBN gene, results from an A to G substitution at nucleotide position 1706. The aspartic acid at codon 569 is replaced by glycine, an amino acid with similar properties. This amino acid position is conserved. In addition, this alteration is predicted to be tolerated by in silico analysis. Since supporting evidence is limited at this time, the clinical significance of this alteration remains unclear.

Baylor Genetics
Classification: Uncertain significance for Aplastic anemia. Last evaluated: 2023-10-29. Review status: criteria provided, single submitter. Criteria: ACMG Guidelines, 2015. Collection method: clinical testing. Allele origin: unknown.

Labcorp Genetics (formerly Invitae), Labcorp
Classification: Uncertain significance for Microcephaly, normal intelligence and immunodeficiency. Last evaluated: 2022-12-26. Review status: criteria provided, single submitter. Criteria: Invitae Variant Classification Sherloc (09022015). Collection method: clinical testing. Allele origin: germline.
Comment: Algorithms developed to predict the effect of missense changes on protein structure and function output the following: SIFT: "Tolerated"; PolyPhen-2: "Benign"; Align-GVGD: "Class C0". The glycine amino acid residue is found in multiple mammalian species, which suggests that this missense change does not adversely affect protein function. In summary, the available evidence is currently insufficient to determine the role of this variant in disease. Therefore, it has been classified as a Variant of Uncertain Significance. This variant has not been reported in the literature in individuals affected with NBN-related conditions. This variant is not present in population databases (gnomAD no frequency). This sequence change replaces aspartic acid, which is acidic and polar, with glycine, which is neutral and non-polar, at codon 569 of the NBN protein (p.Asp569Gly).

NM_002485.5(NBN):c.1706A>G (p.Asp569Gly)

Gene: NBN (nibrin; minus strand). Cytogenetic location: 8q21.3.
Variant type: single nucleotide variant.
Coding change: c.1706A>G on transcript NM_002485.5 (MANE Select); coding-DNA position 1706, A replaced by G.
Protein change: p.Asp569Gly; replaces aspartic acid 569 with glycine.
Molecular consequence: missense variant.
Genome position (GRCh38, 1-based): chr8:89,953,383, T>C on the plus strand (A>G on the coding strand, the complement: NBN is on the minus strand). VCF-style: chr8-89953383-T-C. GRCh37 (hg19) VCF-style: chr8-90965611-T-C.
Other names: c.1460A>G, p.Asp487Gly (NM_001024688.3); short protein forms D569G, D487G.
Identifiers: ClinVar variation 2184312 (VCV002184312.6), dbSNP rs2488230105, ClinGen allele CA371655273.